The following is an entry in ClinVar:

ClinVar aggregate classification (germline): Pathogenic/Likely pathogenic. Review status: criteria provided, multiple submitters, no conflicts (2 of 4 stars). 12 submissions from 12 submitters: Pathogenic (6); Likely pathogenic (5). 1 of the submissions does not count toward it. Last evaluated 2026-02-19.

Conditions:
TGM1-related disorder. Also called: TGM1-related condition.
Lamellar ichthyosis. Identifiers: Orphanet 313, MedGen C5848247, MONDO:0017778.
Autosomal recessive congenital ichthyosis 1 (LI1). Also called: ICHTHYOSIS, CONGENITAL, AUTOSOMAL RECESSIVE 1, WITH OR WITHOUT BATHING SUIT DISTRIBUTION; COLLODION FETUS; DESQUAMATION OF NEWBORN; ICHTHYOSIS CONGENITA; ICHTHYOSIS CONGENITA II; LAMELLAR EXFOLIATION OF NEWBORN. Identifiers: MedGen C4551630, MONDO:0009441, OMIM 242300.
Abnormality of the skin. Identifiers: MedGen C5848159, HP:0000951.

Allele frequency attached by ClinVar (database versions not stated): TOPMed 0.00001; gnomAD exomes below 0.00001.

Submissions (12):

GeneDx
Classification: Likely pathogenic. Last evaluated: 2026-02-19. Review status: criteria provided, single submitter. Criteria: GeneDx Variant Classification Process June 2021. Collection method: clinical testing. Allele origin: germline.
Comment: Not observed at significant frequency in large population cohorts (gnomAD); In silico analysis suggests that this missense variant does not alter protein structure/function; This variant is associated with the following publications: (PMID: 32597326, 31046801, 31631373, 9359043, 19241467, 35412663, 30693114, 38374194, 41062103, 23096117, 22801880, 38156659)

Dasa
Classification: Pathogenic. Last evaluated: 2025-11-24. Review status: criteria provided, single submitter. Criteria: DASA Assertion Criteria. Collection method: clinical testing. Allele origin: germline.
Comment: NM_000359.3(TGM1):c.1147G>A (p.Val383Met) is a missense variant that results in the substitution of valine with methionine. This variant has been observed in affected individuals with related phenotype in a genotype context consistent with recessive disease (PMID: 30693114; PMID: 32346852; PMID: 22801880; PMID: 23096117; PMID: 9359043). Functional evidence supports a deleterious effect on the gene or gene product (PMID: 30693114; PMID: 32346852; PMID: 22801880; PMID: 23096117; PMID: 9359043). This variant has been recurrently observed in individuals with related phenotype (PMID: 30693114; PMID: 32346852; PMID: 22801880; PMID: 23096117; PMID: 9359043). Multiple computational predictions support a deleterious effect on the gene or gene product. The variant is present at low frequency in population datasets. Based on the available data, this variant is classified as pathogenic.

PreventionGenetics, part of Exact Sciences
Classification: Likely pathogenic for TGM1-related condition. Last evaluated: 2024-10-25. Review status: criteria provided, single submitter. Criteria: ACMG Guidelines, 2015. Collection method: clinical testing. Allele origin: germline.
Comment: The TGM1 c.1147G>A variant is predicted to result in the amino acid substitution p.Val383Met. This variant has been reported in the homozygous or compound heterozygous state in multiple individuals with autosomal recessive congenital ichthyosis (reported as Val382Met in Petit et al. 1997. PubMed ID: 9359043; Bourrat et al. 2012. PubMed ID: 22801880; Terrinoni et al. 2012. PubMed ID: 23096117. Sathishkumar et al. 2018. PubMed ID: 30693114; Chiramel et al. 2022. PubMed ID: 35412663; Abolhassani et al. 2024. PubMed ID: 38374194). This variant has not been reported in a large population database, indicating this variant is rare. This variant is interpreted as likely pathogenic.

Labcorp Genetics (formerly Invitae), Labcorp
Classification: Pathogenic. Last evaluated: 2023-10-09. Review status: criteria provided, single submitter. Criteria: Invitae Variant Classification Sherloc (09022015). Collection method: clinical testing. Allele origin: germline.
Comment: This sequence change replaces valine, which is neutral and non-polar, with methionine, which is neutral and non-polar, at codon 383 of the TGM1 protein (p.Val383Met). This variant is not present in population databases (gnomAD no frequency). This missense change has been observed in individuals with TGM1-related conditions (PMID: 9359043, 22801880, 23096117, 30693114). ClinVar contains an entry for this variant (Variation ID: 12488). Advanced modeling of protein sequence and biophysical properties (such as structural, functional, and spatial information, amino acid conservation, physicochemical variation, residue mobility, and thermodynamic stability) performed at Invitae indicates that this missense variant is expected to disrupt TGM1 protein function. For these reasons, this variant has been classified as Pathogenic.

Baylor Genetics
Classification: Pathogenic for Autosomal recessive congenital ichthyosis 1. Last evaluated: 2023-09-21. Review status: criteria provided, single submitter. Criteria: ACMG Guidelines, 2015. Collection method: clinical testing. Allele origin: unknown.

Victorian Clinical Genetics Services, Murdoch Childrens Research Institute
Classification: Pathogenic for Autosomal recessive congenital ichthyosis 1. Last evaluated: 2023-07-16. Review status: criteria provided, single submitter. Criteria: ACMG Guidelines, 2015. Collection method: clinical testing. Allele origin: germline. Inheritance: Autosomal recessive inheritance. Affected: yes.
Comment: Based on the classification scheme VCGS_Germline_v1.3.4, this variant is classified as Pathogenic. Following criteria are met: 0102 - Loss of function is a known mechanism of disease in this gene and is associated with congenital ichthyosis 1 (MIM#242300). (I) 0106 - This gene is associated with autosomal recessive disease. (I) 0200 - Variant is predicted to result in a missense amino acid change from valine to methionine. (I) 0251 - This variant is heterozygous. (I) 0301 - Variant is absent from gnomAD (both v2 and v3). (SP) 0502 - Missense variant with conflicting in silico predictions and uninformative conservation. (I) 0600 - Variant is located in the annotated catalytic core domain (PMID: 22801880). (I) 0705 - No comparable missense variants have previous evidence for pathogenicity. (I) 0801 - This variant has strong previous evidence of pathogenicity in unrelated individuals. This variant has been reported in multiple individuals with lamellar ichthyosis and bathing suit ichthyosis (PMID: 9359043, 23096117, 22801880, 30693114). It has also been reported multiple times as pathogenic/likely pathogenic in ClinVar. (SP) 0905 - No published segregation evidence has been identified for this variant. (I) 1001 - This variant has strong functional evidence supporting abnormal protein function. Functional studies using cultured keratinocyotes from affected patient exhibited reduced transglutaminase activity and an absence of TGK protein (PMID: 9359043). (SP) 1208 - Inheritance information for this variant is not currently available in this individual. (I) Legend: (SP) - Supporting pathogenic, (I) - Information, (SB) - Supporting benign

Women's Health and Genetics/Laboratory Corporation of America, LabCorp
Classification: Pathogenic for Lamellar ichthyosis. Last evaluated: 2021-08-05. Review status: criteria provided, single submitter. Criteria: LabCorp Variant Classification Summary - May 2015. Collection method: clinical testing. Allele origin: germline.
Comment: Variant summary: TGM1 c.1147G>A (p.Val383Met) results in a conservative amino acid change located in the Transglutaminase-like domain (IPR002931) of the encoded protein sequence. Four of five in-silico tools predict a damaging effect of the variant on protein function. The variant was absent in 250736 control chromosomes. c.1147G>A has been reported in the literature in multiple individuals affected with Lamellar Ichthyosis (example, Petit_1997, Terrinoni_2012, Satishkumar_2018, Li_2020). These data indicate that the variant is very likely to be associated with disease. At least one publication reports experimental evidence evaluating an impact on protein function. The most pronounced variant effect results in <10% of normal transglutaminase type 1 enzyme activity (example, Petit_1997). One clinical diagnostic laboratory has submitted clinical-significance assessments for this variant to ClinVar after 2014 and classified the variant as pathogenic citing overlapping evidence utilized in the context of this evaluation. Based on the evidence outlined above, the variant was classified as pathogenic.

Kariminejad - Najmabadi Pathology & Genetics Center
Classification: Likely pathogenic for Abnormality of the skin. Last evaluated: 2021-07-10. Review status: criteria provided, single submitter. Criteria: ACMG Guidelines, 2015. Collection method: clinical testing. Allele origin: germline. Affected: yes.

Foundation for Research in Genetics and Endocrinology, FRIGE's Institute of Human Genetics
Classification: Pathogenic for Autosomal recessive congenital ichthyosis 1. Review status: criteria provided, single submitter. Criteria: ACMG Guidelines, 2015. Collection method: clinical testing. Allele origin: germline. Inheritance: Autosomal recessive inheritance. Affected: yes. Observed: 1 homozygote.
Comment: Homozygous missense variation in exon 7 of TGM1 gene that result in amino acid substitution of methionine for valine at codon 383 was detected. This variant has not been reported in 1000 genome and genomAD database. The insilico prediction of the variant are probably damaging by ployphen-2 (HumDiv)and damaging by SIFT, LRT and mutationTaster2. The reference codon is conserved across species.

Genome-Nilou Lab
Classification: Likely pathogenic for Autosomal recessive congenital ichthyosis 1. Review status: criteria provided, single submitter. Criteria: ACMG Guidelines, 2015. Collection method: clinical testing. Allele origin: germline.

Juno Genomics, Hangzhou Juno Genomics, Inc
Classification: Likely pathogenic for Autosomal recessive congenital ichthyosis 1. Review status: criteria provided, single submitter. Criteria: ACMG Guidelines, 2015. Collection method: clinical testing. Allele origin: germline.
Comment: Absent from controls (or at extremely low frequency if recessive) in Genome Aggregation Database.;Multiple lines of computational evidence support a deleterious effect on the gene or gene product.;For recessive disorders, detected in trans with a pathogenic variant.;Patient's phenotype or family history is highly specific for a disease with a single genetic etiology.

OMIM
Classification: Pathogenic for ICHTHYOSIS, CONGENITAL, AUTOSOMAL RECESSIVE 1, WITH BATHING SUIT DISTRIBUTION. Last evaluated: 1997-07-01. Review status: no assertion criteria provided. Collection method: literature only. Allele origin: germline. Not counted in ClinVar's aggregate classification.

Literature cited by the submitters: PubMed 30693114 (cited by 4 submitters); PubMed 32346852 (cited by Dasa); PubMed 22801880 (cited by 3 submitters); PubMed 23096117 (cited by 4 submitters); PubMed 9359043 (cited by 5 submitters); PubMed 31046801 (cited by Women's Health and Genetics/Laboratory Corporation of America, LabCorp); PubMed 19241467 (cited by Women's Health and Genetics/Laboratory Corporation of America, LabCorp); PubMed 31631373 (cited by Women's Health and Genetics/Laboratory Corporation of America, LabCorp); PubMed 32597326 (cited by Women's Health and Genetics/Laboratory Corporation of America, LabCorp).

NM_000359.3(TGM1):c.1147G>A (p.Val383Met)

Gene: TGM1 (transglutaminase 1; minus strand). Cytogenetic location: 14q12.
Variant type: single nucleotide variant.
Coding change: c.1147G>A on transcript NM_000359.3 (MANE Select); coding-DNA position 1147, G replaced by A.
Protein change: p.Val383Met; replaces valine 383 with methionine.
Molecular consequence: missense variant.
Genome position (GRCh38, 1-based): chr14:24,259,087, C>T on the plus strand (G>A on the coding strand, the complement: TGM1 is on the minus strand). VCF-style: chr14-24259087-C-T. GRCh37 (hg19) VCF-style: chr14-24728293-C-T.
Other names: V382M; c.1147G>A (NM_000359.2); short protein forms V383M.
Identifiers: ClinVar variation 12488 (VCV000012488.41), dbSNP rs121918722, ClinGen allele CA256466.